The following is an entry in ClinVar:

NM_020778.5(ALPK3):c.135C>T (p.Pro45=)

Gene: ALPK3 (alpha kinase 3; plus strand). Cytogenetic location: 15q25.3.
Variant type: single nucleotide variant.
Coding change: c.135C>T on transcript NM_020778.5 (MANE Select); coding-DNA position 135, C replaced by T.
Protein change: p.Pro45=; no amino-acid change (proline 45 retained).
Molecular consequence: synonymous variant.
Genome position (GRCh38, 1-based): chr15:84,817,587, C>T. VCF-style: chr15-84817587-C-T. GRCh37 (hg19) VCF-style: chr15-85360818-C-T.
Identifiers: ClinVar variation 507232 (VCV000507232.21), dbSNP rs369591811, ClinGen allele CA7708844.

ClinVar aggregate classification (germline): Benign/Likely benign. Review status: criteria provided, multiple submitters, no conflicts (2 of 4 stars). 8 submissions from 8 submitters: Benign (3); Likely benign (4). 1 of the submissions does not count toward it. Last evaluated 2026-03-27.

Conditions:
ALPK3-related disorder. Also called: ALPK3-related condition.
Cardiovascular phenotype. Identifiers: MedGen CN230736.

Allele frequency attached by ClinVar (database versions not stated): ExAC 0.00021; gnomAD exomes 0.00062; 1000 Genomes Project 0.00100; TOPMed 0.00108; 1000 Genomes Project 30x 0.00125.
gnomAD v4.1: 417 of 1,500,146 alleles (0.028%); highest among the groups gnomAD compares: East Asian, 0.93%; 7 homozygotes.

Submissions (8):

Molecular Diagnostic Laboratory for Inherited Cardiovascular Disease, Montreal Heart Institute
Classification: Benign. Last evaluated: 2026-03-27. Review status: criteria provided, single submitter. Criteria: ACMG Guidelines, 2015. Collection method: clinical testing. Allele origin: germline. Affected: no.
Comment: BS1;BP6;BP7

CeGaT Center for Human Genetics Tuebingen
Classification: Likely benign. Last evaluated: 2026-03-01. Review status: criteria provided, single submitter. Criteria: CeGaT Center For Human Genetics Tuebingen Variant Classification Criteria Version 2. Collection method: clinical testing. Allele origin: germline. Affected: yes. Observed: 1 variant allele.
Comment: ALPK3: BP4, BP7

Labcorp Genetics (formerly Invitae), Labcorp
Classification: Benign. Last evaluated: 2026-02-01. Review status: criteria provided, single submitter. Criteria: Invitae Variant Classification Sherloc (09022015). Collection method: clinical testing. Allele origin: germline.

Blueprint Genetics
Classification: Likely benign. Last evaluated: 2024-10-17. Review status: criteria provided, single submitter. Criteria: ACMG Guidelines, 2015. Collection method: clinical testing. Allele origin: germline.

Women's Health and Genetics/Laboratory Corporation of America, LabCorp
Classification: Likely benign. Last evaluated: 2023-11-20. Review status: criteria provided, single submitter. Criteria: LabCorp Variant Classification Summary - May 2015. Collection method: clinical testing. Allele origin: germline.

GeneDx
Classification: Benign. Last evaluated: 2020-04-08. Review status: criteria provided, single submitter. Criteria: GeneDx Variant Classification Process June 2021. Collection method: clinical testing. Allele origin: germline. Affected: yes.

Ambry Genetics
Classification: Likely benign for Cardiovascular phenotype. Last evaluated: 2019-05-22. Review status: criteria provided, single submitter. Criteria: Ambry Variant Classification Scheme 2023. Collection method: clinical testing. Allele origin: germline.

PreventionGenetics, part of Exact Sciences
Classification: Benign for ALPK3-related condition. Last evaluated: 2019-08-15. Review status: no assertion criteria provided. Collection method: clinical testing. Allele origin: germline. Not counted in ClinVar's aggregate classification.
Comment: This variant is classified as benign based on ACMG/AMP sequence variant interpretation guidelines (Richards et al. 2015 PMID: 25741868, with internal and published modifications).